The following is an entry in ClinVar:

NM_198576.4(AGRN):c.5C>A (p.Ala2Asp)

Gene: AGRN (agrin; plus strand). Cytogenetic location: 1p36.33.
Variant type: single nucleotide variant.
Coding change: c.5C>A on transcript NM_198576.4 (MANE Select); coding-DNA position 5, C replaced by A.
Protein change: p.Ala2Asp; replaces alanine 2 with aspartic acid.
Molecular consequence: missense variant.
Genome position (GRCh38, 1-based): chr1:1,020,177, C>A. VCF-style: chr1-1020177-C-A. GRCh37 (hg19) VCF-style: chr1-955557-C-A.
Other names: c.5C>A, p.Ala2Asp (NM_001305275.2); short protein forms A2D.
Identifiers: ClinVar variation 474165 (VCV000474165.12), dbSNP rs776698665, ClinGen allele CA507759.

ClinVar aggregate classification (germline): Uncertain significance. Review status: criteria provided, multiple submitters, no conflicts (2 of 4 stars). 3 submissions from 3 submitters: Uncertain significance (3). Last evaluated 2025-12-28.

Conditions:
Congenital myasthenic syndrome 8. Also called: Myasthenic syndrome, congenital, 8, with pre- and postsynaptic defects; MYASTHENIC SYNDROME, CONGENITAL, DUE TO AGRIN DEFICIENCY. Identifiers: Orphanet 590, MedGen C3808739, MONDO:0014052, OMIM 615120.

Allele frequency attached by ClinVar (database versions not stated): gnomAD exomes 0.00016; ExAC 0.00038; gnomAD 0.00092 and 0.00096; TOPMed 0.00114; 1000 Genomes Project 30x 0.00187.
gnomAD v4.1: 210 of 1,334,040 alleles (0.016%); highest among the groups gnomAD compares: African/African-American, 0.25%; no homozygotes.

Submissions (3):

Labcorp Genetics (formerly Invitae), Labcorp
Classification: Uncertain significance for Congenital myasthenic syndrome 8. Last evaluated: 2025-12-28. Review status: criteria provided, single submitter. Criteria: Invitae Variant Classification Sherloc (09022015). Collection method: clinical testing. Allele origin: germline.
Comment: This sequence change replaces alanine, which is neutral and non-polar, with aspartic acid, which is acidic and polar, at codon 2 of the AGRN protein (p.Ala2Asp). The frequency data for this variant in the population databases is considered unreliable, as metrics indicate poor data quality at this position in the gnomAD database. This variant has not been reported in the literature in individuals affected with AGRN-related conditions. ClinVar contains an entry for this variant (Variation ID: 474165). Experimental studies and prediction algorithms are not available or were not evaluated, and the functional significance of this variant is currently unknown. In summary, the available evidence is currently insufficient to determine the role of this variant in disease. Therefore, it has been classified as a Variant of Uncertain Significance.

Clinical Genomics Laboratory, Washington University in St. Louis
Classification: Uncertain significance for Congenital myasthenic syndrome 8. Last evaluated: 2025-06-27. Review status: criteria provided, single submitter. Criteria: ACMG Guidelines, 2015. Collection method: clinical testing. Allele origin: germline.
Comment: The AGRN c.5C>A (p.Ala2Asp) variant, to our knowledge, has not been reported in the medical literature. This variant has been reported in the ClinVar database as germline variant of uncertain significance by one submitter. The highest population minor allele frequency in the population database genome aggregation database (v.2.1.1) is 0.25% in the African population. Computational predictors suggest that the variant does not impact AGRN function. Due to limited information, and based on ACMG/AMP guidelines for variant interpretation (Richards S et al., PMID: 25741868), the clinical significance of this variant is uncertain at this time.

Blueprint Genetics
Classification: Uncertain significance. Last evaluated: 2024-05-31. Review status: criteria provided, single submitter. Criteria: ACMG Guidelines, 2015. Collection method: clinical testing. Allele origin: germline.